The following is an entry in ClinVar:

NM_207361.6(FREM2):c.8597T>A (p.Leu2866His)

Gene: FREM2 (FRAS1 related extracellular matrix 2; plus strand). Cytogenetic location: 13q13.3.
Variant type: single nucleotide variant.
Coding change: c.8597T>A on transcript NM_207361.6 (MANE Select); coding-DNA position 8597, T replaced by A.
Protein change: p.Leu2866His; replaces leucine 2866 with histidine.
Molecular consequence: missense variant.
Genome position (GRCh38, 1-based): chr13:38,877,169, T>A. VCF-style: chr13-38877169-T-A. GRCh37 (hg19) VCF-style: chr13-39451306-T-A.
Other names: short protein forms L2866H.
Identifiers: ClinVar variation 3900391 (VCV003900391.1).
Genomic context (GRCh38, chr13:38,877,169, plus strand): 5'-GGTTTTAGGTCAGTGATCCAGTGGCTGCTGAGTTTAGCTTGAACACCCAAATGTACCTGC[T>A]CTCTAAGAAGAGTCTCTGGTTGTCTGATGGATCCATGGGATTCGGGCAAGAGAGTGATGT-3'
Protein context (NP_997244.4, residues 2856-2876): EFSLNTQMYL[Leu2866His]SKKSLWLSDG

ClinVar aggregate classification (germline): Uncertain significance (1 of 4 stars; one submission).

gnomAD v4.1: 1 of 1,614,118 alleles (0.000062%); highest among the groups gnomAD compares: Non-Finnish European, 0.000085%; no homozygotes.

Submission:

GeneDx
Classification: Uncertain significance. Last evaluated: 2024-11-18. Review status: criteria provided, single submitter. Criteria: GeneDx Variant Classification Process June 2021. Collection method: clinical testing. Allele origin: germline. Affected: yes.
Comment: Not observed at significant frequency in large population cohorts (gnomAD); In silico analysis supports that this missense variant has a deleterious effect on protein structure/function; Has not been previously published as pathogenic or benign to our knowledge